The following is an entry in ClinVar:

NM_017514.5(PLXNA3):c.52C>G (p.Leu18Val)

Gene: PLXNA3 (plexin A3; plus strand). Cytogenetic location: Xq28.
Variant type: single nucleotide variant.
Coding change: c.52C>G on transcript NM_017514.5 (MANE Select); coding-DNA position 52, C replaced by G.
Protein change: p.Leu18Val; replaces leucine 18 with valine.
Molecular consequence: missense variant.
Genome position (GRCh38, 1-based): chrX:154,460,235, C>G. VCF-style: chrX-154460235-C-G. GRCh37 (hg19) VCF-style: chrX-153688575-C-G.
Other names: short protein forms L18V.
Identifiers: ClinVar variation 4988792 (VCV004988792.1).

ClinVar aggregate classification (germline): Uncertain significance (1 of 4 stars; one submission).

Conditions:
PLXNA3-related disorder. Also called: PLXNA3-related condition.

gnomAD v4.1: 16 of 1,210,165 alleles (0.0013%); highest among the groups gnomAD compares: South Asian, 0.0018%; no homozygotes.

Submission:

PreventionGenetics, part of Exact Sciences
Classification: Uncertain significance for PLXNA3-related condition. Last evaluated: 2026-08-18. Review status: criteria provided, single submitter. Criteria: ACMG Guidelines, 2015. Collection method: clinical testing. Allele origin: germline.
Comment: The PLXNA3 c.52C>G variant is predicted to result in the amino acid substitution p.Leu18Val. To our knowledge, this variant has not been reported in the literature. This variant is reported in 0.0013% of alleles in individuals of European (Non-Finnish) descent in gnomAD. At this time, the clinical significance of this variant is uncertain due to the absence of conclusive functional and genetic evidence.